The following is an entry in ClinVar:

NM_017654.4(SAMD9):c.1850C>A (p.Thr617Asn)

Gene: SAMD9 (sterile alpha motif domain containing 9; minus strand). Cytogenetic location: 7q21.2.
Variant type: single nucleotide variant.
Coding change: c.1850C>A on transcript NM_017654.4 (MANE Select); coding-DNA position 1850, C replaced by A.
Protein change: p.Thr617Asn; replaces threonine 617 with asparagine.
Molecular consequence: missense variant.
Genome position (GRCh38, 1-based): chr7:93,104,248, G>T on the plus strand (C>A on the coding strand, the complement: SAMD9 is on the minus strand). VCF-style: chr7-93104248-G-T. GRCh37 (hg19) VCF-style: chr7-92733561-G-T.
Other names: c.1850C>A, p.Thr617Asn (NM_001193307.2); short protein forms T617N.
Identifiers: ClinVar variation 3791941 (VCV003791941.1).
Genomic context (GRCh38, chr7:93,104,248, plus strand): 5'-AAACCAATAGATGGCAAAAGCCTTTTTGAAGATTGAGTCACAGATTTTAGTTTAAGAATA[G>T]TGCCATTGATCTCTTCAAGGCTTAAAGCAGAAATACATTGGCTTGAAATTTCATCTTGGT-3'
Protein context (NP_060124.2, residues 607-627): SALSLEEING[Thr617Asn]ILKLKSVTQS

ClinVar aggregate classification (germline): Uncertain significance (1 of 4 stars; one submission).

Conditions:
Inborn genetic diseases. Identifiers: MedGen C0950123, MeSH D030342.

Submission:

Ambry Genetics
Classification: Uncertain significance for Inborn genetic diseases. Last evaluated: 2024-12-21. Review status: criteria provided, single submitter. Criteria: Ambry Variant Classification Scheme 2023. Collection method: clinical testing. Allele origin: germline.
Comment: The p.T617N variant (also known as c.1850C>A), located in coding exon 1 of the SAMD9 gene, results from a C to A substitution at nucleotide position 1850. The threonine at codon 617 is replaced by asparagine, an amino acid with similar properties. This amino acid position is conserved. In addition, this alteration is predicted to be tolerated by in silico analysis. Based on the available evidence, the clinical significance of this variant remains unclear.